The following is an entry in ClinVar:

Conditions:
Breast-ovarian cancer, familial, susceptibility to, 1 (BROVCA1). Also called: BRCA1 Hereditary Breast and Ovarian Cancer; OVARIAN CANCER, SUSCEPTIBILITY TO. Identifiers: Orphanet 145, MedGen C2676676, MONDO:0011450, OMIM 604370. Disease mechanism: loss of function.

Submission:

Brotman Baty Institute, University of Washington
No classification provided (evidence only). Condition: Breast-ovarian cancer, familial 1. Review status: no classification provided. Collection method: in vitro. Allele origin: not applicable. Functional consequence: functionally_abnormal.
ClinVar note: "not provided" was previously submitted as the classification for the variant. However, the classification appeared to be based only on an observation of functional data so it was converted to no classification on 2025-07-30.

NM_007294.4(BRCA1):c.5441C>G (p.Ala1814Gly)

Gene: BRCA1 (BRCA1 DNA repair associated; minus strand). Cytogenetic location: 17q21.31.
Variant type: single nucleotide variant.
Coding change: c.5441C>G on transcript NM_007294.4 (MANE Select); coding-DNA position 5441, C replaced by G.
Protein change: p.Ala1814Gly; replaces alanine 1814 with glycine.
Molecular consequence: missense variant. On other transcripts: non-coding transcript variant (1).
Genome position (GRCh38, 1-based): chr17:43,047,669, G>C on the plus strand (C>G on the coding strand, the complement: BRCA1 is on the minus strand). VCF-style: chr17-43047669-G-C. GRCh37 (hg19) VCF-style: chr17-41199686-G-C.
Other names: c.5228C>G, p.Ala1743Gly (NM_001407571.1, NM_001407900.1, NM_001407902.1 and 12 more transcripts); c.5507C>G, p.Ala1836Gly (NM_001407581.1, NM_001407582.1); c.5504C>G, p.Ala1835Gly (NM_001407583.1, NM_001407585.1, NM_001407587.1 and 1 more transcripts); c.5501C>G, p.Ala1834Gly (NM_001407590.1, NM_001407591.1); c.5441C>G, p.Ala1814Gly (NM_001407593.1, NM_001407594.1, NM_001407596.1 and 5 more transcripts); c.5438C>G, p.Ala1813Gly (NM_001407610.1, NM_001407611.1, NM_001407612.1 and 14 more transcripts); c.5435C>G, p.Ala1812Gly (NM_001407629.1, NM_001407630.1, NM_001407631.1 and 13 more transcripts); c.5381C>G, p.Ala1794Gly (NM_001407649.1); and 83 more; short protein forms A1814G, A1835G, C685W, A1767G, A710G, A1645G, A1660G, A1702G.
Identifiers: ClinVar variation 865519 (VCV000865519.3), dbSNP rs1398117278, ClinGen allele CA10590530.
Genomic context (GRCh38, chr17:43,047,669, plus strand): 5'-CCCCATATAGCACAGGTACATGCAGGCACCTTACCATGGAAGCCATTGTCCTCTGTCCAG[G>C]CATCTGGCTGCACAACCACAATTGGGTGGACACCCTGGATCCCCAGGAAGGAAAGAGCAT-3'
Protein context (NP_009225.1, residues 1804-1824): VHPIVVVQPD[Ala1814Gly]WTEDNGFHAI